The following is an entry in ClinVar:

NM_198994.3(TGM6):c.1005G>A (p.Trp335Ter)

Gene: TGM6 (transglutaminase 6; plus strand). Cytogenetic location: 20p13.
Variant type: single nucleotide variant.
Coding change: c.1005G>A on transcript NM_198994.3 (MANE Select); coding-DNA position 1005, G replaced by A.
Protein change: p.Trp335Ter; replaces tryptophan 335 with a stop codon.
Molecular consequence: nonsense.
Genome position (GRCh38, 1-based): chr20:2,403,412, G>A. VCF-style: chr20-2403412-G-A. GRCh37 (hg19) VCF-style: chr20-2384058-G-A.
Other names: TGM6; c.1005G>A, p.Trp335Ter (NM_001254734.2); short protein forms W335*.
Identifiers: ClinVar variation 1027361 (VCV001027361.3), dbSNP rs750743855, ClinGen allele CA9731940.
Genomic context (GRCh38, chr20:2,403,412, plus strand): 5'-ATGCCCTCACTCTAGGCAGCTTCACCCATCCTCTCTCTGTGGCAGGAATTTCCATGTCTG[G>A]AATGAGAGCTGGTTTGCCCGGCAGGACCTAGGCCCCTCTTACAATGGCTGGCAGGTTCTG-3'

ClinVar aggregate classification (germline): Likely pathogenic (1 of 4 stars; one submission).

Conditions:
Spinocerebellar ataxia type 35. Identifiers: Orphanet 276193, MedGen C3888031, MONDO:0013485, OMIM 613908.

Allele frequency attached by ClinVar (database versions not stated): gnomAD exomes below 0.00001 and 0.00001; ExAC 0.00002; TOPMed 0.00002.
gnomAD v4.1: 8 of 1,614,136 alleles (0.0005%); highest among the groups gnomAD compares: Non-Finnish European, 0.00059%; no homozygotes.

Submission:

Institute of Human Genetics, University of Goettingen
Classification: Likely pathogenic for Spinocerebellar ataxia type 35. Last evaluated: 2020-06-12. Review status: criteria provided, single submitter. Criteria: ACMG Guidelines, 2015. Collection method: clinical testing. Allele origin: germline. Inheritance: Autosomal dominant inheritance. Affected: yes. Observed: 1 variant allele, 1 heterozygote.
Comment: The TGM6 variant c.1005G>A (p.(Trp335*)) is found at a population frequency of 0.0011% in the gnomAD database, but not in the homozygous state. In summary and using ACMG criteria PVS1, PM2, PP3 we classify this variant as Likely Pathogenic.